The following is an entry in ClinVar:

ClinVar aggregate classification (germline): Uncertain significance (0 of 4 stars; one submission).

Submission:

Genetic Services Laboratory, University of Chicago
Classification: Uncertain significance. Last evaluated: 2022-06-13. Review status: no assertion criteria provided. Collection method: clinical testing. Allele origin: germline. Affected: no.
Comment: DNA sequence analysis of the DZIP1L gene demonstrated a sequence change, c.2047G>T, which results in the creation of a premature stop codon at amino acid position 683, p.Glu683*. This sequence change is predicted to result in an abnormal transcript, which may be degraded, or may lead to the production of a truncated DZIP1L protein with potentially abnormal function. This sequence change has not been described in the population databases such as ExAC and gnomAD. This sequence change does not appear to have been previously described in individuals with DZIP1L-related disorders. To date no other truncating variants have been described that are distal of this variant in this gene. The functional significance of this sequence change is not known at present and its contribution to this individual’s disease phenotype cannot definitively be determined.

NM_173543.3(DZIP1L):c.2047G>T (p.Glu683Ter)

Gene: DZIP1L (DAZ interacting zinc finger protein 1 like; minus strand). Cytogenetic location: 3q22.3.
Variant type: single nucleotide variant.
Coding change: c.2047G>T on transcript NM_173543.3 (MANE Select); coding-DNA position 2047, G replaced by T.
Protein change: p.Glu683Ter; replaces glutamic acid 683 with a stop codon.
Molecular consequence: nonsense.
Genome position (GRCh38, 1-based): chr3:138,064,723, C>A on the plus strand (G>T on the coding strand, the complement: DZIP1L is on the minus strand). VCF-style: chr3-138064723-C-A. GRCh37 (hg19) VCF-style: chr3-137783565-C-A.
Other names: short protein forms E683*.
Identifiers: ClinVar variation 2443118 (VCV002443118.2), dbSNP rs34517099, ClinGen allele CA83854572.
Genomic context (GRCh38, chr3:138,064,723, plus strand): 5'-GCCCAGCATTGGGCATAAAAAACAGACTGACCCCTCCAGCAGGCTTCTTTGCTGGAGCTT[C>A]TAGCTGCTTCTCCAGGTTTTTGACCATCGACTGCACCAGTGTTCCTGGAAGGTGAAAAAG-3'